The following is an entry in ClinVar:

ClinVar aggregate classification (germline): Uncertain significance (1 of 4 stars; one submission).

Conditions:
Inborn genetic diseases. Identifiers: MedGen C0950123, MeSH D030342.

Submission:

Ambry Genetics
Classification: Uncertain significance for Inborn genetic diseases. Last evaluated: 2025-08-10. Review status: criteria provided, single submitter. Criteria: Ambry Variant Classification Scheme 2023. Collection method: clinical testing. Allele origin: germline.
Comment: The p.D302A variant (also known as c.905A>C), located in coding exon 9 of the RTEL1 gene, results from an A to C substitution at nucleotide position 905. The aspartic acid at codon 302 is replaced by alanine, an amino acid with dissimilar properties. This amino acid position is conserved. In addition, this alteration is predicted to be tolerated by in silico analysis. Based on the available evidence, the clinical significance of this variant remains unclear.

NM_001283009.2(RTEL1):c.905A>C (p.Asp302Ala)

Genes: RTEL1 (regulator of telomere elongation helicase 1; plus strand), RTEL1-TNFRSF6B (RTEL1-TNFRSF6B readthrough (NMD candidate); plus strand). Cytogenetic location: 20q13.33.
Variant type: single nucleotide variant.
Coding change: c.905A>C on transcript NM_001283009.2 (MANE Select); coding-DNA position 905, A replaced by C.
Protein change: p.Asp302Ala; replaces aspartic acid 302 with alanine.
Molecular consequence: missense variant. On other transcripts: non-coding transcript variant (1).
Genome position (GRCh38, 1-based): chr20:63,674,079, A>C. VCF-style: chr20-63674079-A-C. GRCh37 (hg19) VCF-style: chr20-62305432-A-C.
Other names: c.236A>C, p.Asp79Ala (NM_001283010.1); c.905A>C, p.Asp302Ala (NM_016434.4); c.977A>C, p.Asp326Ala (NM_032957.5); short protein forms D302A, D326A, D79A.
Identifiers: ClinVar variation 4157654 (VCV004157654.1).